The following is an entry in ClinVar:

ClinVar aggregate classification (germline): Likely benign (1 of 4 stars; one submission).

Allele frequency attached by ClinVar (database versions not stated): gnomAD exomes below 0.00001.
gnomAD v4.1: 1 of 1,614,092 alleles (0.000062%); highest among the groups gnomAD compares: Admixed American, 0.0017%; no homozygotes.

Submission:

CeGaT Center for Human Genetics Tuebingen
Classification: Likely benign. Last evaluated: 2022-07-01. Review status: criteria provided, single submitter. Criteria: CeGaT Center For Human Genetics Tuebingen Variant Classification Criteria Version 2. Collection method: clinical testing. Allele origin: germline. Affected: yes. Observed: 1 variant allele.
Comment: MUC17: BP4, BP7

NM_001040105.2(MUC17):c.2346T>C (p.Thr782=)

Gene: MUC17 (mucin 17, cell surface associated; plus strand). Cytogenetic location: 7q22.1.
Variant type: single nucleotide variant.
Coding change: c.2346T>C on transcript NM_001040105.2 (MANE Select); coding-DNA position 2346, T replaced by C.
Protein change: p.Thr782=; no amino-acid change (threonine 782 retained).
Molecular consequence: synonymous variant. On other transcripts: non-coding transcript variant (1).
Genome position (GRCh38, 1-based): chr7:101,033,762, T>C. VCF-style: chr7-101033762-T-C. GRCh37 (hg19) VCF-style: chr7-100677043-T-C.
Identifiers: ClinVar variation 2657839 (VCV002657839.24), dbSNP rs1157048264, ClinGen allele CA456918144.
Genomic context (GRCh38, chr7:101,033,762, plus strand): 5'-TGAGGCTAGCACCCTTTCAACAACTCCTCTTGACACAAGCACACATATCACCACTTCTAC[T>C]GAAGCCAGTTGCTCTCCTACAACCACTGAAGGTACCAGCATGCCAATCTCAACTCCTAGT-3'
Protein context (NP_001035194.1, residues 772-792): LDTSTHITTS[Thr782=]EASCSPTTTE